The following is an entry in ClinVar:

NM_001242896.3(DEPDC5):c.3342C>T (p.Asp1114=)

Gene: DEPDC5 (DEP domain containing 5, GATOR1 subcomplex subunit; plus strand). Cytogenetic location: 22q12.3.
Variant type: single nucleotide variant.
Coding change: c.3342C>T on transcript NM_001242896.3 (MANE Select); coding-DNA position 3342, C replaced by T.
Protein change: p.Asp1114=; no amino-acid change (aspartic acid 1114 retained).
Molecular consequence: synonymous variant. On other transcripts: non-coding transcript variant (5).
Genome position (GRCh38, 1-based): chr22:31,870,601, C>T. VCF-style: chr22-31870601-C-T. GRCh37 (hg19) VCF-style: chr22-32266587-C-T.
Other names: c.3315C>T, p.Asp1105= (NM_001136029.4); c.3042C>T, p.Asp1014= (NM_001242897.2); c.3276C>T, p.Asp1092= (NM_001363852.2, NM_001364320.2); c.3108C>T, p.Asp1036= (NM_001363854.2, NM_001364319.2); c.3342C>T, p.Asp1114= (NM_001364318.2); c.3258C>T, p.Asp1086= (NM_001369901.1, NM_001369902.1); c.3249C>T, p.Asp1083= (NM_001369903.1, NM_014662.6).
Identifiers: ClinVar variation 695605 (VCV000695605.16), dbSNP rs774805884, ClinGen allele CA10196962.
Genomic context (GRCh38, chr22:31,870,601, plus strand): 5'-CCTGTCAGTTATTTTTGGAATCAAGTATTCATTTTTAAATCTCCTGCAGGTATCTGTGGA[C>T]CAAACAGCCACTCCTATGTTGGACGGCACCAGTTTGGGCATATGCACAGGCCAATCCATG-3'
Protein context (NP_001229825.1, residues 1104-1124): SSAFYPQVSV[Asp1114=]QTATPMLDGT

ClinVar aggregate classification (germline): Benign/Likely benign. Review status: criteria provided, multiple submitters, no conflicts (2 of 4 stars). 4 submissions from 4 submitters: Benign (1); Likely benign (3). Last evaluated 2026-07-01.

Conditions:
Familial focal epilepsy with variable foci (FPEVF). Identifiers: Orphanet 98820, MedGen C1858477, MONDO:0020310.

Allele frequency attached by ClinVar (database versions not stated): gnomAD exomes 0.00006; ExAC 0.00008; TOPMed 0.00028; 1000 Genomes Project 30x 0.00031; gnomAD 0.00036 and 0.00037.
gnomAD v4.1: 88 of 1,535,264 alleles (0.0057%); highest among the groups gnomAD compares: African/African-American, 0.11%; no homozygotes.

Submissions (4):

CeGaT Center for Human Genetics Tuebingen
Classification: Likely benign. Last evaluated: 2026-07-01. Review status: criteria provided, single submitter. Criteria: CeGaT Center For Human Genetics Tuebingen Variant Classification Criteria Version 2. Collection method: clinical testing. Allele origin: germline. Affected: yes. Observed: 2 variant alleles.
Comment: DEPDC5: BP4, BP7

Labcorp Genetics (formerly Invitae), Labcorp
Classification: Benign for Familial focal epilepsy with variable foci. Last evaluated: 2025-09-15. Review status: criteria provided, single submitter. Criteria: Invitae Variant Classification Sherloc (09022015). Collection method: clinical testing. Allele origin: germline.

Blueprint Genetics
Classification: Likely benign. Last evaluated: 2024-08-06. Review status: criteria provided, single submitter. Criteria: ACMG Guidelines, 2015. Collection method: clinical testing. Allele origin: germline.

GeneDx
Classification: Likely benign. Last evaluated: 2021-01-19. Review status: criteria provided, single submitter. Criteria: GeneDx Variant Classification Process June 2021. Collection method: clinical testing. Allele origin: germline. Affected: yes.